The following is an entry in ClinVar:

NM_152309.3(PIK3AP1):c.22A>G (p.Arg8Gly)

Gene: PIK3AP1 (phosphoinositide-3-kinase adaptor protein 1; minus strand). Cytogenetic location: 10q24.1.
Variant type: single nucleotide variant.
Coding change: c.22A>G on transcript NM_152309.3 (MANE Select); coding-DNA position 22, A replaced by G.
Protein change: p.Arg8Gly; replaces arginine 8 with glycine.
Molecular consequence: missense variant.
Genome position (GRCh38, 1-based): chr10:96,709,975, T>C on the plus strand (A>G on the coding strand, the complement: PIK3AP1 is on the minus strand). VCF-style: chr10-96709975-T-C. GRCh37 (hg19) VCF-style: chr10-98469732-T-C.
Other names: short protein forms R8G.
Identifiers: ClinVar variation 1512187 (VCV001512187.8), dbSNP rs1844418715, ClinGen allele CA377760590.

ClinVar aggregate classification (germline): Uncertain significance (1 of 4 stars; one submission).

Conditions:
Infantile spasms. Also called: Infantile spasm. Identifiers: MedGen C3887898, HP:0012469.

Allele frequency attached by ClinVar (database versions not stated): TOPMed below 0.00001.

Submission:

Labcorp Genetics (formerly Invitae), Labcorp
Classification: Uncertain significance for Infantile spasms. Last evaluated: 2021-01-26. Review status: criteria provided, single submitter. Criteria: Invitae Variant Classification Sherloc (09022015). Collection method: clinical testing. Allele origin: germline.
Comment: In summary, the available evidence is currently insufficient to determine the role of this variant in disease. Therefore, it has been classified as a Variant of Uncertain Significance. Algorithms developed to predict the effect of missense changes on protein structure and function output the following: SIFT: "Tolerated"; PolyPhen-2: "Benign"; Align-GVGD: "Class C0". The glycine amino acid residue is found in multiple mammalian species, suggesting that this missense change does not adversely affect protein function. These predictions have not been confirmed by published functional studies and their clinical significance is uncertain. This variant has not been reported in the literature in individuals with PIK3AP1-related conditions. This variant is not present in population databases (ExAC no frequency). This sequence change replaces arginine with glycine at codon 8 of the PIK3AP1 protein (p.Arg8Gly). The arginine residue is weakly conserved and there is a moderate physicochemical difference between arginine and glycine.